The following is an entry in ClinVar:

ClinVar aggregate classification (germline): Benign/Likely benign. Review status: criteria provided, multiple submitters, no conflicts (2 of 4 stars). 4 submissions from 4 submitters: Benign (1); Likely benign (3). Last evaluated 2026-01-05.

Conditions:
Fanconi anemia (FA). Also called: Fanconi's anemia. Identifiers: Orphanet 84, MedGen C0015625, MeSH D005199, MONDO:0019391.
SLX4-related disorder. Also called: SLX4-related condition.
Fanconi anemia complementation group P. Also called: SLX4-Related Fanconi Anemia. Identifiers: Orphanet 84, MedGen C3469542, MONDO:0013499, OMIM 613951.

Allele frequency attached by ClinVar (database versions not stated): gnomAD below 0.00001 and 0.00007; TOPMed 0.00001; gnomAD exomes 0.00023 and 0.00046; 1000 Genomes Project 30x 0.00031; 1000 Genomes Project 0.00040; ExAC 0.00053.
gnomAD v4.1: 337 of 1,614,204 alleles (0.021%); highest among the groups gnomAD compares: South Asian, 0.34%; 5 homozygotes.

Submissions (4):

Labcorp Genetics (formerly Invitae), Labcorp
Classification: Benign for Fanconi anemia. Last evaluated: 2026-01-05. Review status: criteria provided, single submitter. Criteria: Invitae Variant Classification Sherloc (09022015). Collection method: clinical testing. Allele origin: germline.

PreventionGenetics, part of Exact Sciences
Classification: Likely benign for SLX4-related condition. Last evaluated: 2024-12-08. Review status: criteria provided, single submitter. Criteria: ACMG Guidelines, 2015. Collection method: clinical testing. Allele origin: germline.
Comment: This variant is classified as likely benign based on ACMG/AMP sequence variant interpretation guidelines (Richards et al. 2015 PMID: 25741868, with internal and published modifications).

Blueprint Genetics
Classification: Likely benign. Last evaluated: 2024-09-05. Review status: criteria provided, single submitter. Criteria: ACMG Guidelines, 2015. Collection method: clinical testing. Allele origin: germline.

Fulgent Genetics
Classification: Likely benign for Fanconi anemia complementation group P. Last evaluated: 2021-11-29. Review status: criteria provided, single submitter. Criteria: ACMG Guidelines, 2015. Collection method: clinical testing. Allele origin: unknown.

NM_032444.4(SLX4):c.1227G>A (p.Lys409=)

Gene: SLX4 (SLX4 structure-specific endonuclease subunit; minus strand). Cytogenetic location: 16p13.3.
Variant type: single nucleotide variant.
Coding change: c.1227G>A on transcript NM_032444.4 (MANE Select); coding-DNA position 1227, G replaced by A.
Protein change: p.Lys409=; no amino-acid change (lysine 409 retained).
Molecular consequence: synonymous variant.
Genome position (GRCh38, 1-based): chr16:3,597,936, C>T on the plus strand (G>A on the coding strand, the complement: SLX4 is on the minus strand). VCF-style: chr16-3597936-C-T. GRCh37 (hg19) VCF-style: chr16-3647937-C-T.
Other names: c.1227G>A (NM_032444.3).
Identifiers: ClinVar variation 697098 (VCV000697098.14), dbSNP rs534443134, ClinGen allele CA7866586.